The following is an entry in ClinVar:

NM_003978.5(PSTPIP1):c.985+6G>A

Gene: PSTPIP1 (proline-serine-threonine phosphatase interacting protein 1; plus strand). Cytogenetic location: 15q24.3.
Variant type: single nucleotide variant.
Coding change: c.985+6G>A on transcript NM_003978.5 (MANE Select); 6 bases into the intron after coding-DNA position 985, G replaced by A.
Molecular consequence: intron variant.
Genome position (GRCh38, 1-based): chr15:77,035,569, G>A. VCF-style: chr15-77035569-G-A. GRCh37 (hg19) VCF-style: chr15-77327910-G-A.
Other names: c.1180+6G>A (NM_001321137.1); c.958+6G>A (NM_001321136.2); c.928+6G>A (NM_001321135.2); c.985+6G>A (NM_001411086.1).
Identifiers: ClinVar variation 2893458 (VCV002893458.3), dbSNP rs139552419, ClinGen allele CA619193819.

ClinVar aggregate classification (germline): Uncertain significance (1 of 4 stars; one submission).

Conditions:
Pyogenic arthritis-pyoderma gangrenosum-acne syndrome (PAPA). Also called: FAMILIAL RECURRENT ARTHRITIS; PAPA SYNDROME. Identifiers: Orphanet 69126, MedGen C1858361, MONDO:0011462, OMIM 604416.

gnomAD v4.1: 2 of 1,575,858 alleles (0.00013%); highest among the groups gnomAD compares: Non-Finnish European, 0.00017%; no homozygotes.

Submission:

Labcorp Genetics (formerly Invitae), Labcorp
Classification: Uncertain significance for Pyogenic arthritis-pyoderma gangrenosum-acne syndrome. Last evaluated: 2023-12-23. Review status: criteria provided, single submitter. Criteria: Invitae Variant Classification Sherloc (09022015). Collection method: clinical testing. Allele origin: germline.
Comment: This sequence change falls in intron 13 of the PSTPIP1 gene. It does not directly change the encoded amino acid sequence of the PSTPIP1 protein. It affects a nucleotide within the consensus splice site. This variant is not present in population databases (gnomAD no frequency). This variant has not been reported in the literature in individuals affected with PSTPIP1-related conditions. Variants that disrupt the consensus splice site are a relatively common cause of aberrant splicing (PMID: 17576681, 9536098). Algorithms developed to predict the effect of sequence changes on RNA splicing suggest that this variant is not likely to affect RNA splicing. In summary, the available evidence is currently insufficient to determine the role of this variant in disease. Therefore, it has been classified as a Variant of Uncertain Significance.

Literature cited by the submitters: PubMed 17576681; PubMed 9536098.